The following is an entry in ClinVar:

NM_003705.5(SLC25A12):c.707A>G (p.Tyr236Cys)

Gene: SLC25A12 (solute carrier family 25 member 12; minus strand). Cytogenetic location: 2q31.1.
Variant type: single nucleotide variant.
Coding change: c.707A>G on transcript NM_003705.5 (MANE Select); coding-DNA position 707, A replaced by G.
Protein change: p.Tyr236Cys; replaces tyrosine 236 with cysteine.
Molecular consequence: missense variant. On other transcripts: non-coding transcript variant (1).
Genome position (GRCh38, 1-based): chr2:171,834,771, T>C on the plus strand (A>G on the coding strand, the complement: SLC25A12 is on the minus strand). VCF-style: chr2-171834771-T-C. GRCh37 (hg19) VCF-style: chr2-172691281-T-C.
Other names: short protein forms Y236C.
Identifiers: ClinVar variation 1035371 (VCV001035371.9), dbSNP rs1684521748, ClinGen allele CA349620912.

ClinVar aggregate classification (germline): Uncertain significance (1 of 4 stars; one submission).

Submission:

Labcorp Genetics (formerly Invitae), Labcorp
Classification: Uncertain significance. Last evaluated: 2020-01-15. Review status: criteria provided, single submitter. Criteria: Invitae Variant Classification Sherloc (09022015). Collection method: clinical testing. Allele origin: germline.
Comment: This variant has not been reported in the literature in individuals with SLC25A12-related conditions. In summary, the available evidence is currently insufficient to determine the role of this variant in disease. Therefore, it has been classified as a Variant of Uncertain Significance. Algorithms developed to predict the effect of missense changes on protein structure and function are either unavailable or do not agree on the potential impact of this missense change (SIFT: "Deleterious"; PolyPhen-2: "Probably Damaging"; Align-GVGD: "Class C0"). This variant is not present in population databases (ExAC no frequency). This sequence change replaces tyrosine with cysteine at codon 236 of the SLC25A12 protein (p.Tyr236Cys). The tyrosine residue is highly conserved and there is a large physicochemical difference between tyrosine and cysteine.